The following is an entry in ClinVar:

ClinVar aggregate classification (germline): Pathogenic (1 of 4 stars; one submission).

Submission:

ARUP Laboratories, Molecular Genetics and Genomics, ARUP Laboratories
Classification: Pathogenic. Last evaluated: 2017-08-16. Review status: criteria provided, single submitter. Criteria: ARUP Molecular Germline Variant Investigation Process. Collection method: clinical testing. Allele origin: germline.
Comment: The MEN1 c.1487delA; p.Lys496fs variant has not previously been described in the literature, but has been reported in the UMD-MEN1 database (see link). It is absent from general population databases (Exome Variant Server, Genome Aggregation Database). This variant creates a frameshift and is predicted to result in a truncated protein or absent transcript. Although this frameshift occurs in the terminal exon of MEN1, several downstream frameshifts have been reported as pathogenic (Giraud 1998, Klein 2005). Taken together, c.1487delA is considered pathogenic. REFERENCES Link to UMD-MEN1 database: Giraud S et al. Germ-line mutation analysis in patients with multiple endocrine neoplasia type 1 and related disorders. Am J Hum Genet. 1998 Aug;63(2):455-67. Klein RD et al. Clinical testing for multiple endocrine neoplasia type 1 in a DNA diagnostic laboratory. Genet Med. 2005 Feb;7(2):131-8.

NM_001370259.2(MEN1):c.1487del (p.Lys496fs)

Gene: MEN1 (menin 1; minus strand). Cytogenetic location: 11q13.1.
Variant type: Deletion.
Coding change: c.1487del on transcript NM_001370259.2 (MANE Select); coding-DNA position 1487, one base deleted (A; older notation c.1487delA).
Protein change: p.Lys496fs; shifts the reading frame from lysine 496.
Molecular consequence: frameshift variant.
Genome position (GRCh38, 1-based): chr11:64,804,680, T deleted on the plus strand (A on the coding strand, the reverse complement: MEN1 is on the minus strand); the first of 2 consecutive T bases (chr11:64,804,680-64,804,681); deleting either gives the same sequence. VCF-style (leftmost placement, unchanged base first): chr11-64804679-CT-C. GRCh37 (hg19) VCF-style: chr11-64572151-CT-C.
Other names: c.1502del, p.Lys501fs (NM_000244.4, NM_130800.3, NM_130801.3 and 3 more transcripts); c.1613del, p.Lys538fs (NM_001370251.2); c.1487del, p.Lys496fs (NM_001370260.2, NM_001370261.2, NM_130799.3); c.1382del, p.Lys461fs (NM_001370262.2, NM_001370263.2); c.1502delA (NM_130804.2); short protein forms K461fs, K496fs, K501fs, K538fs.
Identifiers: ClinVar variation 618209 (VCV000618209.9), dbSNP rs1565637724, ClinGen allele CA913190288.